The following is an entry in ClinVar:

ClinVar aggregate classification (germline): Uncertain significance. Review status: criteria provided, multiple submitters, no conflicts (2 of 4 stars). 2 submissions from 2 submitters: Uncertain significance (2). Last evaluated 2022-12-21.

gnomAD v4.1: 15 of 1,608,230 alleles (0.00093%); highest among the groups gnomAD compares: South Asian, 0.0056%; no homozygotes.

Submissions (2):

Labcorp Genetics (formerly Invitae), Labcorp
Classification: Uncertain significance. Last evaluated: 2022-12-21. Review status: criteria provided, single submitter. Criteria: Invitae Variant Classification Sherloc (09022015). Collection method: clinical testing. Allele origin: germline.
Comment: In summary, the available evidence is currently insufficient to determine the role of this variant in disease. Therefore, it has been classified as a Variant of Uncertain Significance. Advanced modeling of protein sequence and biophysical properties (such as structural, functional, and spatial information, amino acid conservation, physicochemical variation, residue mobility, and thermodynamic stability) performed at Invitae indicates that this missense variant is not expected to disrupt PROM1 protein function. ClinVar contains an entry for this variant (Variation ID: 95332). This variant has not been reported in the literature in individuals affected with PROM1-related conditions. The frequency data for this variant in the population databases is considered unreliable, as metrics indicate poor data quality at this position in the gnomAD database. This sequence change replaces alanine, which is neutral and non-polar, with threonine, which is neutral and polar, at codon 774 of the PROM1 protein (p.Ala774Thr).

Eurofins Ntd Llc (ga)
Classification: Uncertain significance. Last evaluated: 2013-08-20. Review status: criteria provided, single submitter. Criteria: EGL Classification Definitions 2015. Collection method: clinical testing. Allele origin: germline. Observed: 1 variant allele, 1 heterozygote.

NM_006017.3(PROM1):c.2320G>A (p.Ala774Thr)

Gene: PROM1 (prominin 1; minus strand). Cytogenetic location: 4p15.32.
Variant type: single nucleotide variant.
Coding change: c.2320G>A on transcript NM_006017.3 (MANE Select); coding-DNA position 2320, G replaced by A.
Protein change: p.Ala774Thr; replaces alanine 774 with threonine.
Molecular consequence: missense variant.
Genome position (GRCh38, 1-based): chr4:15,984,316, C>T on the plus strand (G>A on the coding strand, the complement: PROM1 is on the minus strand). VCF-style: chr4-15984316-C-T. GRCh37 (hg19) VCF-style: chr4-15985939-C-T.
Other names: c.2293G>A, p.Ala765Thr (NM_001145847.2, NM_001145848.2, NM_001145851.2 and 4 more transcripts); c.2320G>A, p.Ala774Thr (NM_001145849.2, NM_001145850.2); short protein forms A774T, A765T.
Identifiers: ClinVar variation 95332 (VCV000095332.10), dbSNP rs398124216, ClinGen allele CA222908.